The following is an entry in ClinVar:

NM_004960.4(FUS):c.1190A>G (p.Tyr397Cys)

Gene: FUS (FUS RNA binding protein; plus strand). Cytogenetic location: 16p11.2.
Variant type: single nucleotide variant.
Coding change: c.1190A>G on transcript NM_004960.4 (MANE Select); coding-DNA position 1190, A replaced by G.
Protein change: p.Tyr397Cys; replaces tyrosine 397 with cysteine.
Molecular consequence: missense variant. On other transcripts: non-coding transcript variant (1).
Genome position (GRCh38, 1-based): chr16:31,190,296, A>G. VCF-style: chr16-31190296-A-G. GRCh37 (hg19) VCF-style: chr16-31201617-A-G.
Other names: c.1187A>G, p.Tyr396Cys (NM_001170634.1); c.1178A>G, p.Tyr393Cys (NM_001170937.1); short protein forms Y396C, Y397C, Y393C.
Identifiers: ClinVar variation 1744702 (VCV001744702.8), dbSNP rs752942147, ClinGen allele CA8023974.

ClinVar aggregate classification (germline): Uncertain significance. Review status: criteria provided, multiple submitters, no conflicts (2 of 4 stars). 2 submissions from 2 submitters: Uncertain significance (2). Last evaluated 2025-08-28.

Conditions:
Inborn genetic diseases. Identifiers: MedGen C0950123, MeSH D030342.
Amyotrophic lateral sclerosis type 6. Also called: FUS-Related Amyotrophic Laterial Sclerosis; AMYOTROPHIC LATERAL SCLEROSIS 6 WITHOUT FRONTOTEMPORAL DEMENTIA; Amyotrophic lateral sclerosis 6, with or without frontotemporal dementia. Identifiers: Orphanet 275872, Orphanet 803, MedGen C2931786, MONDO:0011951, OMIM 608030.
Tremor, hereditary essential, 4 (ETM4). Identifiers: MedGen C3539195, MONDO:0013888, OMIM 614782.

Allele frequency attached by ClinVar (database versions not stated): ExAC 0.00001; gnomAD 0.00001; TOPMed 0.00001.
gnomAD v4.1: 16 of 1,613,952 alleles (0.00099%); highest among the groups gnomAD compares: Middle Eastern, 0.016%; no homozygotes.

Submissions (2):

Ambry Genetics
Classification: Uncertain significance for Inborn genetic diseases. Last evaluated: 2025-08-28. Review status: criteria provided, single submitter. Criteria: Ambry Variant Classification Scheme 2023. Collection method: clinical testing. Allele origin: germline.

Labcorp Genetics (formerly Invitae), Labcorp
Classification: Uncertain significance for Tremor, hereditary essential, 4; Amyotrophic lateral sclerosis type 6. Last evaluated: 2022-10-14. Review status: criteria provided, single submitter. Criteria: Invitae Variant Classification Sherloc (09022015). Collection method: clinical testing. Allele origin: germline.
Comment: This sequence change replaces tyrosine, which is neutral and polar, with cysteine, which is neutral and slightly polar, at codon 397 of the FUS protein (p.Tyr397Cys). In summary, the available evidence is currently insufficient to determine the role of this variant in disease. Therefore, it has been classified as a Variant of Uncertain Significance. Algorithms developed to predict the effect of missense changes on protein structure and function are either unavailable or do not agree on the potential impact of this missense change (SIFT: "Deleterious"; PolyPhen-2: "Probably Damaging"; Align-GVGD: "Class C0"). This variant has not been reported in the literature in individuals affected with FUS-related conditions. This variant is present in population databases (rs752942147, gnomAD 0.003%).